The following is an entry in ClinVar:

ClinVar aggregate classification (germline): Uncertain significance. Review status: criteria provided, multiple submitters, no conflicts (2 of 4 stars). 2 submissions from 2 submitters: Uncertain significance (2). Last evaluated 2025-06-07.

Conditions:
Inborn genetic diseases. Identifiers: MedGen C0950123, MeSH D030342.
Spondyloepimetaphyseal dysplasia, PAPSS2 type. Also called: SEMD, PAKISTANI TYPE; BRACHYOLMIA TYPE 4 WITH MILD EPIPHYSEAL AND METAPHYSEAL CHANGES; SPONDYLODYSPLASIA AND PREMATURE PUBARCHE. Identifiers: Orphanet 93282, MedGen C2748516, MONDO:0019666, OMIM 612847.

Allele frequency attached by ClinVar (database versions not stated): ExAC 0.00001; TOPMed 0.00001.
gnomAD v4.1: 23 of 1,614,096 alleles (0.0014%); highest among the groups gnomAD compares: Middle Eastern, 0.016%; no homozygotes.

Submissions (2):

Ambry Genetics
Classification: Uncertain significance for Inborn genetic diseases. Last evaluated: 2025-06-07. Review status: criteria provided, single submitter. Criteria: Ambry Variant Classification Scheme 2023. Collection method: clinical testing. Allele origin: germline.

Labcorp Genetics (formerly Invitae), Labcorp
Classification: Uncertain significance for Spondyloepimetaphyseal dysplasia, PAPSS2 type. Last evaluated: 2022-10-14. Review status: criteria provided, single submitter. Criteria: Invitae Variant Classification Sherloc (09022015). Collection method: clinical testing. Allele origin: germline.
Comment: This sequence change replaces arginine, which is basic and polar, with tryptophan, which is neutral and slightly polar, at codon 463 of the PAPSS2 protein (p.Arg463Trp). This variant is present in population databases (rs756961458, gnomAD 0.01%). This variant has not been reported in the literature in individuals affected with PAPSS2-related conditions. Algorithms developed to predict the effect of missense changes on protein structure and function are either unavailable or do not agree on the potential impact of this missense change (SIFT: "Deleterious"; PolyPhen-2: "Probably Damaging"; Align-GVGD: "Class C0"). In summary, the available evidence is currently insufficient to determine the role of this variant in disease. Therefore, it has been classified as a Variant of Uncertain Significance.

NM_001015880.2(PAPSS2):c.1387C>T (p.Arg463Trp)

Gene: PAPSS2 (3'-phosphoadenosine 5'-phosphosulfate synthase 2; plus strand). Cytogenetic location: 10q23.31.
Variant type: single nucleotide variant.
Coding change: c.1387C>T on transcript NM_001015880.2 (MANE Select); coding-DNA position 1387, C replaced by T.
Protein change: p.Arg463Trp; replaces arginine 463 with tryptophan.
Molecular consequence: missense variant.
Genome position (GRCh38, 1-based): chr10:87,743,537, C>T. VCF-style: chr10-87743537-C-T. GRCh37 (hg19) VCF-style: chr10-89503294-C-T.
Other names: c.1372C>T (NM_004670.3); c.1372C>T, p.Arg458Trp (NM_004670.4); short protein forms R458W, R463W.
Identifiers: ClinVar variation 2043483 (VCV002043483.5), dbSNP rs756961458, ClinGen allele CA5589736.